The following is an entry in ClinVar:

NM_005461.5(MAFB):c.910T>G (p.Ser304Ala)

Gene: MAFB (MAF bZIP transcription factor B; minus strand). Cytogenetic location: 20q12.
Variant type: single nucleotide variant.
Coding change: c.910T>G on transcript NM_005461.5 (MANE Select); coding-DNA position 910, T replaced by G.
Protein change: p.Ser304Ala; replaces serine 304 with alanine.
Molecular consequence: missense variant.
Genome position (GRCh38, 1-based): chr20:40,687,941, A>C on the plus strand (T>G on the coding strand, the complement: MAFB is on the minus strand). VCF-style: chr20-40687941-A-C. GRCh37 (hg19) VCF-style: chr20-39316581-A-C.
Other names: short protein forms S304A.
Identifiers: ClinVar variation 2162006 (VCV002162006.7), dbSNP rs768925372, ClinGen allele CA9857731.

ClinVar aggregate classification (germline): Likely benign. Review status: criteria provided, multiple submitters, no conflicts (2 of 4 stars). 3 submissions from 3 submitters: Likely benign (2). 1 of the submissions does not count toward it. Last evaluated 2025-12-03.

Conditions:
MAFB-related disorder. Also called: MAFB-related condition.

Allele frequency attached by ClinVar (database versions not stated): gnomAD 0.00005; gnomAD exomes 0.00005; TOPMed 0.00015; ExAC 0.00025.
gnomAD v4.1: 73 of 1,613,562 alleles (0.0045%); highest among the groups gnomAD compares: Admixed American, 0.12%; no homozygotes.

Submissions (3):

Labcorp Genetics (formerly Invitae), Labcorp
Classification: Likely benign. Last evaluated: 2025-12-03. Review status: criteria provided, single submitter. Criteria: Invitae Variant Classification Sherloc (09022015). Collection method: clinical testing. Allele origin: germline.

Women's Health and Genetics/Laboratory Corporation of America, LabCorp
Classification: Likely benign. Last evaluated: 2025-11-11. Review status: criteria provided, single submitter. Criteria: LabCorp Variant Classification Summary - May 2015. Collection method: clinical testing. Allele origin: germline.
Comment: Variant summary: MAFB c.910T>G (p.Ser304Ala) results in a conservative amino acid change in the encoded protein sequence. Algorithms developed to predict the effect of missense changes on protein structure and function are either unavailable or do not agree on the potential impact of this missense change. The variant allele was found at a frequency of 0.00025 in 251118 control chromosomes, predominantly at a frequency of 0.0018 within the Latino subpopulation in the gnomAD database. The observed variant frequency within Latino control individuals in the gnomAD database exceeds the estimated maximal expected allele frequency for disease-causing variants in MAFB. To our knowledge, no occurrence of c.910T>G in individuals affected with MAFB-related conditions and no experimental evidence demonstrating its impact on protein function have been reported. ClinVar contains an entry for this variant (Variation ID: 2162006). Based on the evidence outlined above, the variant was classified as likely benign.

PreventionGenetics, part of Exact Sciences
Classification: Likely benign for MAFB-related condition. Last evaluated: 2022-05-09. Review status: no assertion criteria provided. Collection method: clinical testing. Allele origin: germline. Not counted in ClinVar's aggregate classification.
Comment: This variant is classified as likely benign based on ACMG/AMP sequence variant interpretation guidelines (Richards et al. 2015 PMID: 25741868, with internal and published modifications).